The following is an entry in ClinVar:

ClinVar aggregate classification (germline): Uncertain significance (1 of 4 stars; one submission).

Conditions:
Granulomatous disease, chronic, X-linked. Also called: GRANULOMATOUS DISEASE, CHRONIC, X-LINKED, SOMATIC MOSAIC; CYTOCHROME b-NEGATIVE GRANULOMATOUS DISEASE, CHRONIC, X-LINKED. Identifiers: Orphanet 379, MedGen C1844376, MONDO:0010600, OMIM 306400.

Submission:

Labcorp Genetics (formerly Invitae), Labcorp
Classification: Uncertain significance for Granulomatous disease, chronic, X-linked. Last evaluated: 2020-12-17. Review status: criteria provided, single submitter. Criteria: Invitae Variant Classification Sherloc (09022015). Collection method: clinical testing. Allele origin: germline.
Comment: This variant results in the deletion of exon 13 (c.1587-6_1606del) of the CYBB gene. While this variant is not anticipated to result in nonsense mediated decay, it likely alters RNA splicing and results in a disrupted protein product. In summary, the available evidence is currently insufficient to determine the role of this variant in disease. Therefore, it has been classified as a Variant of Uncertain Significance. Nucleotide substitutions within the consensus splice site are a relatively common cause of aberrant splicing (PMID: 17576681, 9536098). Algorithms developed to predict the effect of sequence changes on RNA splicing suggest that this variant may disrupt the consensus splice site, but this prediction has not been confirmed by published transcriptional studies. This variant has been observed in individual(s) with chronic granulomatous disease (Invitae). This variant is not present in population databases (ExAC no frequency).

Literature cited by the submitters: PubMed 17576681; PubMed 9536098.

NM_000397.4(CYBB):c.1587-6_1606del

Gene: CYBB (cytochrome b-245 beta chain; plus strand). Cytogenetic location: Xp11.4.
Variant type: Deletion.
Coding change: c.1587-6_1606del on transcript NM_000397.4 (MANE Select); 6 bases into the intron before coding-DNA position 1587 through coding-DNA position 1606, 26 bases deleted (CAAAAGTACCAGAATAGGAGTTTTCC).
Molecular consequence: splice acceptor variant.
Genome position (GRCh38, 1-based): chrX:37,810,785-37,810,810, CAAAAGTACCAGAATAGGAGTTTTCC deleted; deleting any 26 consecutive bases within chrX:37,810,780-37,810,810 gives the same sequence; the c. name uses the placement nearest the transcript's 3' end. VCF-style (leftmost placement, unchanged base first): chrX-37810779-CTTTCCCAAAAGTACCAGAATAGGAGT-C. GRCh37 (hg19) VCF-style: chrX-37670032-CTTTCCCAAAAGTACCAGAATAGGAGT-C.
Identifiers: ClinVar variation 1349979 (VCV001349979.8), dbSNP rs2146821997, ClinGen allele CA2573158651.